The following is an entry in ClinVar:

ClinVar aggregate classification (germline): Uncertain significance (1 of 4 stars; one submission).

Submission:

GeneDx
Classification: Uncertain significance. Last evaluated: 2023-04-10. Review status: criteria provided, single submitter. Criteria: GeneDx Variant Classification Process June 2021. Collection method: clinical testing. Allele origin: germline. Affected: yes.
Comment: Not observed at significant frequency in large population cohorts (gnomAD); In silico analysis supports that this missense variant has a deleterious effect on protein structure/function; Has not been previously published as pathogenic or benign to our knowledge

NM_000243.3(MEFV):c.98T>G (p.Val33Gly)

Gene: MEFV (MEFV innate immunity regulator, pyrin; minus strand). Cytogenetic location: 16p13.3.
Variant type: single nucleotide variant.
Coding change: c.98T>G on transcript NM_000243.3 (MANE Select); coding-DNA position 98, T replaced by G.
Protein change: p.Val33Gly; replaces valine 33 with glycine.
Molecular consequence: missense variant.
Genome position (GRCh38, 1-based): chr16:3,256,490, A>C on the plus strand (T>G on the coding strand, the complement: MEFV is on the minus strand). VCF-style: chr16-3256490-A-C. GRCh37 (hg19) VCF-style: chr16-3306490-A-C.
Other names: c.98T>G, p.Val33Gly (NM_001198536.2); short protein forms V33G.
Identifiers: ClinVar variation 2661972 (VCV002661972.1), dbSNP rs2543159777, ClinGen allele CA394484765.